The following is an entry in ClinVar:

ClinVar aggregate classification (germline): Uncertain significance. Review status: criteria provided, multiple submitters, no conflicts (2 of 4 stars). 2 submissions from 2 submitters: Uncertain significance (2). Last evaluated 2025-10-13.

Conditions:
POLD1-related polyposis and colorectal cancer syndrome (CRCS10). Also called: Colorectal cancer 10; COLORECTAL CANCER, SUSCEPTIBILITY TO, ON CHROMOSOME 19q; Colorectal cancer, susceptibility to, 10. Identifiers: Orphanet 220460, MedGen C2675481, MONDO:0012953, OMIM 612591.
Hereditary cancer-predisposing syndrome. Also called: Neoplastic Syndromes, Hereditary; Tumor predisposition; Hereditary Cancer Syndrome; Hereditary neoplastic syndrome. Identifiers: Orphanet 140162, MedGen C0027672, MeSH D009386, MONDO:0015356.

Submissions (2):

Labcorp Genetics (formerly Invitae), Labcorp
Classification: Uncertain significance for POLD1-related polyposis and colorectal cancer syndrome. Last evaluated: 2025-10-13. Review status: criteria provided, single submitter. Criteria: Invitae Variant Classification Sherloc (09022015). Collection method: clinical testing. Allele origin: germline.
Comment: This sequence change replaces alanine, which is neutral and non-polar, with serine, which is neutral and polar, at codon 86 of the POLD1 protein (p.Ala86Ser). This variant is not present in population databases (gnomAD no frequency). This variant has not been reported in the literature in individuals affected with POLD1-related conditions. ClinVar contains an entry for this variant (Variation ID: 1492117). Invitae Evidence Modeling of protein sequence and biophysical properties (such as structural, functional, and spatial information, amino acid conservation, physicochemical variation, residue mobility, and thermodynamic stability) indicates that this missense variant is not expected to disrupt POLD1 protein function with a negative predictive value of 80%. In summary, the available evidence is currently insufficient to determine the role of this variant in disease. Therefore, it has been classified as a Variant of Uncertain Significance.

Ambry Genetics
Classification: Uncertain significance for Hereditary cancer-predisposing syndrome. Last evaluated: 2025-01-17. Review status: criteria provided, single submitter. Criteria: Ambry Variant Classification Scheme 2023. Collection method: clinical testing. Allele origin: germline.
Comment: The p.A86S variant (also known as c.256G>T), located in coding exon 2 of the POLD1 gene, results from a G to T substitution at nucleotide position 256. The alanine at codon 86 is replaced by serine, an amino acid with similar properties. This amino acid position is conserved. In addition, this alteration is predicted to be tolerated by in silico analysis. Based on the available evidence, the clinical significance of this variant remains unclear.

NM_002691.4(POLD1):c.256G>T (p.Ala86Ser)

Gene: POLD1 (DNA polymerase delta 1, catalytic subunit; plus strand). Cytogenetic location: 19q13.33.
Variant type: single nucleotide variant.
Coding change: c.256G>T on transcript NM_002691.4 (MANE Select); coding-DNA position 256, G replaced by T.
Protein change: p.Ala86Ser; replaces alanine 86 with serine.
Molecular consequence: missense variant. On other transcripts: non-coding transcript variant (1).
Genome position (GRCh38, 1-based): chr19:50,399,424, G>T. VCF-style: chr19-50399424-G-T. GRCh37 (hg19) VCF-style: chr19-50902681-G-T.
Other names: c.256G>T (NM_002691.2); c.256G>T, p.Ala86Ser (NM_001256849.1, NM_001308632.1); short protein forms A86S.
Identifiers: ClinVar variation 1492117 (VCV001492117.7), dbSNP rs2122202540, ClinGen allele CA406970488.
Genomic context (GRCh38, chr19:50,399,424, plus strand): 5'-CCACCAGGGCAGGTCCCACCATCAGCCATAGATCCTCGCTGGCTTCGGCCCACACCACCA[G>T]CGCTGGACCCCCAGACAGAGCCCCTCATCTTCCAACAGTTGGAGATTGACCATTATGTGG-3'
Protein context (NP_002682.2, residues 76-96): DPRWLRPTPP[Ala86Ser]LDPQTEPLIF